The following is an entry in ClinVar:

NM_014491.4(FOXP2):c.1126C>T (p.Arg376Ter)

Gene: FOXP2 (forkhead box P2; plus strand). Cytogenetic location: 7q31.1.
Variant type: single nucleotide variant.
Coding change: c.1126C>T on transcript NM_014491.4 (MANE Select); coding-DNA position 1126, C replaced by T.
Protein change: p.Arg376Ter; replaces arginine 376 with a stop codon.
Molecular consequence: nonsense. On other transcripts: non-coding transcript variant (2).
Genome position (GRCh38, 1-based): chr7:114,652,234, C>T. VCF-style: chr7-114652234-C-T. GRCh37 (hg19) VCF-style: chr7-114292289-C-T.
Other names: c.1126C>T (NM_014491.3); c.1123C>T, p.Arg375Ter (NM_001172766.3); c.1201C>T, p.Arg401Ter (NM_001172767.2, NM_148898.4); c.1126C>T, p.Arg376Ter (NM_148899.3); c.1177C>T, p.Arg393Ter (NM_148900.4); short protein forms R375*, R376*, R393*, R401*.
Identifiers: ClinVar variation 3764648 (VCV003764648.4).

ClinVar aggregate classification (germline): Pathogenic. Review status: criteria provided, multiple submitters, no conflicts (2 of 4 stars). 2 submissions from 2 submitters: Pathogenic (2). Last evaluated 2026-07-06.

Conditions:
Childhood apraxia of speech (SPCH1). Also called: Speech language disorder; DEVELOPMENTAL VERBAL DYSPRAXIA; SPEECH AND LANGUAGE DISORDER WITH OROFACIAL DYSPRAXIA; FOXP2-Related Speech and Language Disorder. Identifiers: Orphanet 209908, MedGen C0750927, MONDO:0011184, OMIM 602081.

gnomAD v4.1: 1 of 1,612,896 alleles (0.000062%); highest among the groups gnomAD compares: Non-Finnish European, 0.000085%; no homozygotes.

Submissions (2):

GeneDx
Classification: Pathogenic. Last evaluated: 2026-07-06. Review status: criteria provided, single submitter. Criteria: GeneDx Variant Classification Process June 2021. Collection method: clinical testing. Allele origin: germline.
Comment: Reported as a de novo variant in an individual with a neurodevelopmental disorder in published literature; however, de novo variants in other genes were also identified in this individual and no further clinical information was provided (PMID: 33057194); Reported in a patient with autism spectrum disorder in published literature; however, no further clinical or segregation information were provided (PMID: 34615535); Nonsense variant predicted to result in protein truncation or nonsense mediated decay in a gene for which loss of function is a known mechanism of disease; Not observed at significant frequency in large population cohorts (gnomAD); This variant is associated with the following publications: (PMID: 35982159, 33057194, 34615535)

Institute of Human Genetics, Heidelberg University
Classification: Pathogenic for Childhood apraxia of speech. Last evaluated: 2024-11-22. Review status: criteria provided, single submitter. Criteria: ACMG Guidelines, 2015. Collection method: clinical testing. Allele origin: de novo. Affected: yes.